The following is an entry in ClinVar:

ClinVar aggregate classification (germline): Benign/Likely benign. Review status: criteria provided, multiple submitters, no conflicts (2 of 4 stars). 16 submissions from 16 submitters: Benign (2); Likely benign (11). 3 of the submissions do not count toward it. Last evaluated 2026-01-27.

Conditions:
Hereditary nonpolyposis colorectal neoplasms. Identifiers: MedGen C0009405, MeSH D003123.
Hereditary cancer-predisposing syndrome. Also called: Neoplastic Syndromes, Hereditary; Hereditary Cancer Syndrome; Tumor predisposition; Hereditary neoplastic syndrome. Identifiers: Orphanet 140162, MedGen C0027672, MeSH D009386, MONDO:0015356.
Lynch syndrome. Identifiers: Orphanet 144, MedGen C4552100, MONDO:0005835. Disease mechanism: loss of function.
Lynch syndrome 5 (LYNCH5). Also called: Colorectal cancer, hereditary nonpolyposis, type 5; Hereditary non-polyposis colorectal cancer, type 5. Identifiers: Orphanet 144, MedGen C1833477, MONDO:0013710, OMIM 614350. Disease mechanism: loss of function.
MSH6-related disorder. Also called: MSH6-related condition; MSH6-Related disorders.

Allele frequency attached by ClinVar (database versions not stated): gnomAD 0.00003; ExAC 0.00001; gnomAD exomes 0.00002; TOPMed 0.00002.

Submissions (16):

Labcorp Genetics (formerly Invitae), Labcorp
Classification: Likely benign for Hereditary nonpolyposis colorectal neoplasms. Last evaluated: 2026-01-27. Review status: criteria provided, single submitter. Criteria: Invitae Variant Classification Sherloc (09022015). Collection method: clinical testing. Allele origin: germline.

Quest Diagnostics Nichols Institute San Juan Capistrano
Classification: Likely benign. Last evaluated: 2025-08-01. Review status: criteria provided, single submitter. Criteria: Quest Diagnostics criteria. Collection method: clinical testing. Allele origin: unknown.

Institute for Biomarker Research, Medical Diagnostic Laboratories, L.L.C.
Classification: Likely benign for Hereditary cancer-predisposing syndrome. Last evaluated: 2025-01-30. Review status: criteria provided, single submitter. Criteria: ACMG Guidelines, 2015. Collection method: clinical testing. Allele origin: germline.
Comment: The synonymous variant NM_000179.3(MSH6):c.3426G>A (p.Thr1142=) has been reported to ClinVar as Benign/Likely benign with a status of (2 stars) criteria provided, multiple submitters, no conflicts (Variation ID 237189 as of 2025-01-02). The p.Thr1142= variant is not predicted to disrupt the existing donor splice site 13bp upstream by any splice site algorithm. The p.Thr1142= variant results in a substitution of a base that is not predicted conserved by GERP++ and PhyloP. For these reasons, this variant has been classified as Likely Benign

All of Us Research Program, National Institutes of Health
Classification: Likely benign for Lynch syndrome. Last evaluated: 2024-09-27. Review status: criteria provided, single submitter. Criteria: ACMG Guidelines, 2015. Collection method: clinical testing. Allele origin: germline. Inheritance: Autosomal dominant inheritance. Observed: 8 variant alleles, 8 heterozygotes.
Comment: This study involves interpretation of variants in research participants for the purpose of population health screening. Participant phenotype was not available at the time of variant classification. Additional details can be found in publication PMID: 35346344, PMCID: PMC8962531

Blueprint Genetics
Classification: Likely benign. Last evaluated: 2024-07-11. Review status: criteria provided, single submitter. Criteria: ACMG Guidelines, 2015. Collection method: clinical testing. Allele origin: germline.

KCCC/NGS Laboratory, Kuwait Cancer Control Center
Classification: Likely benign for Lynch syndrome 5. Last evaluated: 2023-07-07. Review status: criteria provided, single submitter. Criteria: ACMG Guidelines, 2015. Collection method: clinical testing. Allele origin: germline. Affected: yes.

Myriad Genetics, Inc.
Classification: Benign for Lynch syndrome 5. Last evaluated: 2023-03-27. Review status: criteria provided, single submitter. Criteria: Myriad Autosomal Dominant, Autosomal Recessive and X-Linked Classification Criteria (2023). Collection method: clinical testing. Allele origin: unknown.
Comment: This variant is considered benign. This variant is a silent/synonymous amino acid change and it is not expected to impact splicing.

Sema4
Classification: Likely benign for Hereditary cancer-predisposing syndrome. Last evaluated: 2020-09-10. Review status: criteria provided, single submitter. Criteria: Sema4 Curation Guidelines. Collection method: curation. Allele origin: germline.

Women's Health and Genetics/Laboratory Corporation of America, LabCorp
Classification: Likely benign. Last evaluated: 2019-08-29. Review status: criteria provided, single submitter. Criteria: LabCorp Variant Classification Summary - May 2015. Collection method: clinical testing. Allele origin: germline.

University of Washington Department of Laboratory Medicine, University of Washington
Classification: Likely benign for Lynch syndrome. Last evaluated: 2018-05-01. Review status: criteria provided, single submitter. Criteria: Shirts BH et al. (Am J Hum Genet 2018). Collection method: clinical testing. Allele origin: somatic. Affected: yes.
Comment: MSH6 NM_000179.2:c.3426G>A has a 0.9% probability of pathogenicity based on combining prior probability from public data with a likelihood ratio of 0.16 to 1, generated from evidence of seeing this as a somatic mutation in a tumor with loss of heterozygosity at the MSH6 locus. See Shirts et al 2018, PMID 29887214.

Color Diagnostics, LLC DBA Color Health
Classification: Likely benign for Hereditary cancer-predisposing syndrome. Last evaluated: 2015-04-13. Review status: criteria provided, single submitter. Criteria: ACMG Guidelines, 2015. Collection method: clinical testing. Allele origin: germline.

GeneDx
Classification: Benign. Last evaluated: 2015-03-03. Review status: criteria provided, single submitter. Criteria: GeneDx Variant Classification Process June 2021. Collection method: clinical testing. Allele origin: germline. Affected: yes.

Ambry Genetics
Classification: Likely benign for Hereditary cancer-predisposing syndrome. Last evaluated: 2014-11-28. Review status: criteria provided, single submitter. Criteria: Ambry Variant Classification Scheme 2023. Collection method: clinical testing. Allele origin: germline.

PreventionGenetics, part of Exact Sciences
Classification: Likely benign for MSH6-related condition. Last evaluated: 2022-05-02. Review status: no assertion criteria provided. Collection method: clinical testing. Allele origin: germline. Not counted in ClinVar's aggregate classification.
Comment: This variant is classified as likely benign based on ACMG/AMP sequence variant interpretation guidelines (Richards et al. 2015 PMID: 25741868, with internal and published modifications).

Counsyl
Classification: Likely benign for Lynch syndrome 5. Last evaluated: 2016-07-14. Review status: no assertion criteria provided. Collection method: clinical testing. Allele origin: unknown. Not counted in ClinVar's aggregate classification.

Department of Pathology and Laboratory Medicine, Sinai Health System
Classification: Likely benign for Lynch syndrome. Review status: no assertion criteria provided. Collection method: clinical testing. Allele origin: unknown. Affected: yes. Study: The Canadian Open Genetics Repository (COGR). Not counted in ClinVar's aggregate classification.
Comment: MSH6, EXON5, c.3426G>A, p.Thr1142=, Heterozygous, Likely BenignrnThe MSH6 p.Thr1142= variant was not identified in the literature nor was it identified in the UMD-LSDB database. The variant was identified in dbSNP (ID: rs747771350) as â€šÃ„ÃºWith Uncertain significance alleleâ€šÃ„Ã¹ and ClinVar (classified as likely benign by Invitae, Ambry Genetics and 3 other submitters; and as uncertain significance by Integrated Genetics/Laboratory Corporation of America). The variant was identified in control databases in 5 of 277126 chromosomes at a frequency of 0.00002 (Genome Aggregation Database Feb 27, 2017). It was observed in the following populations: Other in 2 of 6464 chromosomes (freq: 0.0003), European Non-Finnish in 1 of 126640 chromosomes (freq: 0.000008), East Asian in 1 of 18870 chromosomes (freq: 0.00005), and South Asian in 1 of 30778 chromosomes (freq: 0.00003); it was not observed in the African, Latino, Ashkenazi Jewish, or European Finnish populations. The p.Thr1142= variant is not expected to have clinical significance because it does not result in a change of amino acid and is not located in a known consensus splice site. In addition, in silico or computational prediction software programs (SpliceSiteFinder, MaxEntScan, NNSPLICE, GeneSplicer) do not predict a difference in splicing. In summary, based on the above information, the clinical significance of this variant cannot be determined with certainty at this time although we would lean towards a more benign role for this variant. This variant is classified as likely benign.rnAssessment Date: 2019/07/15

Literature cited by the submitters: PubMed 29887214 (cited by Quest Diagnostics Nichols Institute San Juan Capistrano).

NM_000179.3(MSH6):c.3426G>A (p.Thr1142=)

Gene: MSH6 (mutS homolog 6; plus strand). Cytogenetic location: 2p16.3.
Variant type: single nucleotide variant.
Coding change: c.3426G>A on transcript NM_000179.3 (MANE Select); coding-DNA position 3426, G replaced by A.
Protein change: p.Thr1142=; no amino-acid change (threonine 1142 retained).
Molecular consequence: synonymous variant.
Genome position (GRCh38, 1-based): chr2:47,803,673, G>A. VCF-style: chr2-47803673-G-A. GRCh37 (hg19) VCF-style: chr2-48030812-G-A.
Other names: c.3036G>A, p.Thr1012= (NM_001281492.2); c.2520G>A, p.Thr840= (NM_001281493.2, NM_001281494.2).
Identifiers: ClinVar variation 237189 (VCV000237189.35), dbSNP rs747771350, ClinGen allele CA070803.